The following is an entry in ClinVar:

NM_144670.6(A2ML1):c.2681G>A (p.Ser894Asn)

Gene: A2ML1 (alpha-2-macroglobulin like 1; plus strand). Cytogenetic location: 12p13.31.
Variant type: single nucleotide variant.
Coding change: c.2681G>A on transcript NM_144670.6 (MANE Select); coding-DNA position 2681, G replaced by A.
Protein change: p.Ser894Asn; replaces serine 894 with asparagine.
Molecular consequence: missense variant.
Genome position (GRCh38, 1-based): chr12:8,854,218, G>A. VCF-style: chr12-8854218-G-A. GRCh37 (hg19) VCF-style: chr12-9006814-G-A.
Other names: c.1208G>A, p.Ser403Asn (NM_001282424.3); short protein forms S894N, S403N.
Identifiers: ClinVar variation 936129 (VCV000936129.11), dbSNP rs754026014, ClinGen allele CA6436090.
Genomic context (GRCh38, chr12:8,854,218, plus strand): 5'-TTCTGGACAGCAATGAACCATGTGGGGGCCAGAAGGGGTTTGTTCCCCAAAAGGGCCGAA[G>A]TGACACGCTCATCAAGCCAGTTCTCGTCAAAGTGAGTTTTCTTCAGAGGTAGAGACAGCA-3'
Protein context (NP_653271.3, residues 884-904): QKGFVPQKGR[Ser894Asn]DTLIKPVLVK

ClinVar aggregate classification (germline): Uncertain significance. Review status: criteria provided, multiple submitters, no conflicts (2 of 4 stars). 3 submissions from 3 submitters: Uncertain significance (3). Last evaluated 2025-09-07.

Allele frequency attached by ClinVar (database versions not stated): gnomAD 0.00001; TOPMed 0.00001; gnomAD exomes 0.00002; ExAC 0.00003.
gnomAD v4.1: 38 of 1,609,000 alleles (0.0024%); highest among the groups gnomAD compares: Non-Finnish European, 0.0032%; no homozygotes.

Submissions (3):

Ambry Genetics
Classification: Uncertain significance. Last evaluated: 2025-09-07. Review status: criteria provided, single submitter. Criteria: Ambry Variant Classification Scheme 2023. Collection method: clinical testing. Allele origin: germline.
Comment: The p.S894N variant (also known as c.2681G>A), located in coding exon 21 of the A2ML1 gene, results from a G to A substitution at nucleotide position 2681. The serine at codon 894 is replaced by asparagine, an amino acid with highly similar properties. This amino acid position is conserved. In addition, this alteration is predicted to be tolerated by in silico analysis. Since supporting evidence is limited at this time, the clinical significance of this alteration remains unclear.

Labcorp Genetics (formerly Invitae), Labcorp
Classification: Uncertain significance. Last evaluated: 2024-12-24. Review status: criteria provided, single submitter. Criteria: Invitae Variant Classification Sherloc (09022015). Collection method: clinical testing. Allele origin: germline.
Comment: This sequence change replaces serine, which is neutral and polar, with asparagine, which is neutral and polar, at codon 894 of the A2ML1 protein (p.Ser894Asn). This variant is present in population databases (rs754026014, gnomAD 0.005%). This variant has not been reported in the literature in individuals affected with A2ML1-related conditions. ClinVar contains an entry for this variant (Variation ID: 936129). An algorithm developed to predict the effect of missense changes on protein structure and function (PolyPhen-2) suggests that this variant is likely to be disruptive. In summary, the available evidence is currently insufficient to determine the role of this variant in disease. Therefore, it has been classified as a Variant of Uncertain Significance.

Women's Health and Genetics/Laboratory Corporation of America, LabCorp
Classification: Uncertain significance. Last evaluated: 2021-03-11. Review status: criteria provided, single submitter. Criteria: LabCorp Variant Classification Summary - May 2015. Collection method: clinical testing. Allele origin: germline.
Comment: Variant summary: A2ML1 c.2681G>A (p.Ser894Asn) results in a conservative amino acid change in the encoded protein sequence. Four of five in-silico tools predict a benign effect of the variant on protein function. The variant allele was found at a frequency of 2e-05 in 247088 control chromosomes (gnomAD). The available data on variant occurrences in the general population are insufficient to allow any conclusion about variant significance. To our knowledge, no occurrence of c.2681G>A in individuals affected with Noonan Syndrome and no experimental evidence demonstrating its impact on protein function have been reported. One clinical diagnostic laboratory has submitted clinical-significance assessments for this variant to ClinVar after 2014 without evidence for independent evaluation. One laboratory classified the variant as uncertain significance. Based on the evidence outlined above, the variant was classified as uncertain significance.